The following is an entry in ClinVar:

NM_005461.5(MAFB):c.-75C>G

Gene: MAFB (MAF bZIP transcription factor B; minus strand). Cytogenetic location: 20q12.
Variant type: single nucleotide variant.
Coding change: c.-75C>G on transcript NM_005461.5 (MANE Select); 75 bases upstream of the start codon, C replaced by G.
Molecular consequence: 5 prime UTR variant.
Genome position (GRCh38, 1-based): chr20:40,688,925, G>C on the plus strand (C>G on the coding strand, the complement: MAFB is on the minus strand). VCF-style: chr20-40688925-G-C. GRCh37 (hg19) VCF-style: chr20-39317565-G-C.
Identifiers: ClinVar variation 338413 (VCV000338413.5), dbSNP rs574807151, ClinGen allele CA10649709.

ClinVar aggregate classification (germline): Benign (1 of 4 stars; one submission).

Conditions:
Multicentric carpo-tarsal osteolysis with or without nephropathy. Also called: Multicentric Osteolysis of Carpal Bones and Nephropathy; OSTEOLYSIS, HEREDITARY, OF CARPAL BONES WITH OR WITHOUT NEPHROPATHY; Carnevale Canun Mendoza syndrome; MULTICENTRIC OSTEOLYSIS, AUTOSOMAL DOMINANT; Multicentric Carpotarsal Osteolysis with or without Nephropathy; MULTICENTRIC CARPOTARSAL OSTEOLYSIS SYNDROME. Identifiers: Orphanet 2774, MedGen C2674705, MONDO:0008152, OMIM 166300.

Allele frequency attached by ClinVar (database versions not stated): 1000 Genomes Project 0.00060.
gnomAD v4.1: 1,351 of 1,501,856 alleles (0.09%); highest among the groups gnomAD compares: Middle Eastern, 0.29%; 4 homozygotes.

Submission:

Illumina Laboratory Services, Illumina
Classification: Benign for Multicentric carpo-tarsal osteolysis with or without nephropathy. Last evaluated: 2018-01-13. Review status: criteria provided, single submitter. Criteria: ICSL Variant Classification Criteria 13 December 2019. Collection method: clinical testing. Allele origin: germline.
Comment: This variant was observed in the ICSL laboratory as part of a predisposition screen in an ostensibly healthy population. It had not been previously curated by ICSL or reported in the Human Gene Mutation Database (HGMD: prior to June 1st, 2018), and was therefore a candidate for classification through an automated scoring system. Utilizing variant allele frequency, disease prevalence and penetrance estimates, and inheritance mode, an automated score was calculated to assess if this variant is too frequent to cause the disease. Based on the score and internal cut-off values, a variant classified as benign is not then subjected to further curation. The score for this variant resulted in a classification of benign for this disease.